The following is an entry in ClinVar:

NM_001042492.3(NF1):c.4599A>T (p.Arg1533Ser)

Gene: NF1 (neurofibromin 1; plus strand). Cytogenetic location: 17q11.2.
Variant type: single nucleotide variant.
Coding change: c.4599A>T on transcript NM_001042492.3 (MANE Select); coding-DNA position 4599, A replaced by T.
Protein change: p.Arg1533Ser; replaces arginine 1533 with serine.
Molecular consequence: missense variant.
Genome position (GRCh38, 1-based): chr17:31,261,732, A>T. VCF-style: chr17-31261732-A-T. GRCh37 (hg19) VCF-style: chr17-29588750-A-T.
Other names: c.4536A>T, p.Arg1512Ser (NM_000267.4); short protein forms R1512S, R1533S.
Identifiers: ClinVar variation 1366562 (VCV001366562.9), dbSNP rs1597748710, ClinGen allele CA399000166.
Genomic context (GRCh38, chr17:31,261,732, plus strand): 5'-AACTGCTAATTTTTTTTCTAAGTAGTTTGCTGTATCTAGGGATCATAAAGCTGTTGGAAG[A>T]CGACCTTTTGATAAGATGGCAACACTTCTTGCATACCTGGGTCCTCCAGAGCACAAACCT-3'
Protein context (NP_001035957.1, residues 1523-1543): SSNRDHKAVG[Arg1533Ser]RPFDKMATLL

ClinVar aggregate classification (germline): Uncertain significance. Review status: criteria provided, multiple submitters, no conflicts (2 of 4 stars). 2 submissions from 2 submitters: Uncertain significance (2). Last evaluated 2025-04-14.

Conditions:
Cardiovascular phenotype. Identifiers: MedGen CN230736.
Hereditary cancer-predisposing syndrome. Also called: Hereditary neoplastic syndrome; Hereditary Cancer Syndrome; Neoplastic Syndromes, Hereditary; Tumor predisposition. Identifiers: Orphanet 140162, MedGen C0027672, MeSH D009386, MONDO:0015356.
Neurofibromatosis, type 1 (NF1). Also called: Peripheral type neurofibromatosis; Neurofibromatosis, type I; NEUROFIBROMATOSIS, TYPE I, SOMATIC; VON RECKLINGHAUSEN DISEASE. Identifiers: Orphanet 636, MedGen C0027831, MONDO:0018975, OMIM 162200. Disease mechanism: loss of function.

Submissions (2):

Ambry Genetics
Classification: Uncertain significance for Cardiovascular phenotype; Hereditary cancer-predisposing syndrome. Last evaluated: 2025-04-14. Review status: criteria provided, single submitter. Criteria: Ambry Variant Classification Scheme 2023. Collection method: clinical testing. Allele origin: germline.
Comment: The p.R1512S variant (also known as c.4536A>T), located in coding exon 34 of the NF1 gene, results from an A to T substitution at nucleotide position 4536. The arginine at codon 1512 is replaced by serine, an amino acid with dissimilar properties. This amino acid position is conserved. In addition, this alteration is predicted to be deleterious by in silico analysis. Based on the available evidence, the clinical significance of this variant remains unclear.

Labcorp Genetics (formerly Invitae), Labcorp
Classification: Uncertain significance for Neurofibromatosis, type 1. Last evaluated: 2021-01-22. Review status: criteria provided, single submitter. Criteria: Invitae Variant Classification Sherloc (09022015). Collection method: clinical testing. Allele origin: germline.
Comment: This sequence change replaces arginine with serine at codon 1512 of the NF1 protein (p.Arg1512Ser). The arginine residue is moderately conserved and there is a moderate physicochemical difference between arginine and serine. This variant is not present in population databases (ExAC no frequency). This variant has not been reported in the literature in individuals with NF1-related conditions. Advanced modeling of protein sequence and biophysical properties (such as structural, functional, and spatial information, amino acid conservation, physicochemical variation, residue mobility, and thermodynamic stability) performed at Invitae indicates that this missense variant is expected to disrupt NF1 protein function. In summary, the available evidence is currently insufficient to determine the role of this variant in disease. Therefore, it has been classified as a Variant of Uncertain Significance.